The following is an entry in ClinVar:

ClinVar aggregate classification (germline): Uncertain significance. Review status: criteria provided, multiple submitters, no conflicts (2 of 4 stars). 2 submissions from 2 submitters: Uncertain significance (2). Last evaluated 2024-07-27.

Conditions:
Hereditary cancer-predisposing syndrome. Also called: Neoplastic Syndromes, Hereditary; Tumor predisposition; Hereditary Cancer Syndrome; Hereditary neoplastic syndrome. Identifiers: Orphanet 140162, MedGen C0027672, MeSH D009386, MONDO:0015356.

Allele frequency attached by ClinVar (database versions not stated): gnomAD exomes below 0.00001.
gnomAD v4.1: 1 of 1,614,064 alleles (0.000062%); highest among the groups gnomAD compares: South Asian, 0.0011%; no homozygotes.

Submissions (2):

Labcorp Genetics (formerly Invitae), Labcorp
Classification: Uncertain significance. Last evaluated: 2024-07-27. Review status: criteria provided, single submitter. Criteria: Invitae Variant Classification Sherloc (09022015). Collection method: clinical testing. Allele origin: germline.
Comment: This sequence change replaces alanine, which is neutral and non-polar, with glycine, which is neutral and non-polar, at codon 246 of the MSH3 protein (p.Ala246Gly). This variant is not present in population databases (gnomAD no frequency). This variant has not been reported in the literature in individuals affected with MSH3-related conditions. ClinVar contains an entry for this variant (Variation ID: 639182). An algorithm developed to predict the effect of missense changes on protein structure and function (PolyPhen-2) suggests that this variant is likely to be disruptive. In summary, the available evidence is currently insufficient to determine the role of this variant in disease. Therefore, it has been classified as a Variant of Uncertain Significance.

Ambry Genetics
Classification: Uncertain significance for Hereditary cancer-predisposing syndrome. Last evaluated: 2023-10-15. Review status: criteria provided, single submitter. Criteria: Ambry Variant Classification Scheme 2023. Collection method: clinical testing. Allele origin: germline.
Comment: The p.A246G variant (also known as c.737C>G), located in coding exon 4 of the MSH3 gene, results from a C to G substitution at nucleotide position 737. The alanine at codon 246 is replaced by glycine, an amino acid with similar properties. This amino acid position is conserved. In addition, the in silico prediction for this alteration is inconclusive. Since supporting evidence is limited at this time, the clinical significance of this alteration remains unclear.

NM_002439.5(MSH3):c.737C>G (p.Ala246Gly)

Gene: MSH3 (mutS homolog 3; plus strand). Cytogenetic location: 5q14.1.
Variant type: single nucleotide variant.
Coding change: c.737C>G on transcript NM_002439.5 (MANE Select); coding-DNA position 737, C replaced by G.
Protein change: p.Ala246Gly; replaces alanine 246 with glycine.
Molecular consequence: missense variant.
Genome position (GRCh38, 1-based): chr5:80,670,254, C>G. VCF-style: chr5-80670254-C-G. GRCh37 (hg19) VCF-style: chr5-79966073-C-G.
Other names: c.737C>G (NM_002439.3); short protein forms A246G.
Identifiers: ClinVar variation 639182 (VCV000639182.9), dbSNP rs1580550343, ClinGen allele CA360266910.